The following is an entry in ClinVar:

ClinVar aggregate classification (germline): Likely benign. Review status: criteria provided, single submitter (1 of 4 stars). 2 submissions from 2 submitters: Likely benign (1). 1 of the submissions does not count toward it. Last evaluated 2024-09-02.

Conditions:
MAP3K6-related disorder. Also called: MAP3K6-related condition.

Allele frequency attached by ClinVar (database versions not stated): gnomAD exomes 0.00037; ExAC 0.00113; gnomAD 0.00353; TOPMed 0.00395; ESP Exome Variant Server 0.00408; 1000 Genomes Project 0.00439; 1000 Genomes Project 30x 0.00484.

Submissions (2):

Blueprint Genetics
Classification: Likely benign. Last evaluated: 2024-09-02. Review status: criteria provided, single submitter. Criteria: ACMG Guidelines, 2015. Collection method: clinical testing. Allele origin: germline.

PreventionGenetics, part of Exact Sciences
Classification: Benign for MAP3K6-related condition. Last evaluated: 2019-05-02. Review status: no assertion criteria provided. Collection method: clinical testing. Allele origin: germline. Not counted in ClinVar's aggregate classification.
Comment: This variant is classified as benign based on ACMG/AMP sequence variant interpretation guidelines (Richards et al. 2015 PMID: 25741868, with internal and published modifications).

NM_004672.5(MAP3K6):c.1124G>A (p.Arg375Gln)

Gene: MAP3K6 (mitogen-activated protein kinase kinase kinase 6; minus strand). Cytogenetic location: 1p36.11.
Variant type: single nucleotide variant.
Coding change: c.1124G>A on transcript NM_004672.5 (MANE Select); coding-DNA position 1124, G replaced by A.
Protein change: p.Arg375Gln; replaces arginine 375 with glutamine.
Molecular consequence: missense variant.
Genome position (GRCh38, 1-based): chr1:27,362,869, C>T on the plus strand (G>A on the coding strand, the complement: MAP3K6 is on the minus strand). VCF-style: chr1-27362869-C-T. GRCh37 (hg19) VCF-style: chr1-27689360-C-T.
Other names: c.1100G>A, p.Arg367Gln (NM_001297609.2); short protein forms R367Q, R375Q.
Identifiers: ClinVar variation 3038039 (VCV003038039.3), dbSNP rs150334965, ClinGen allele CA713880.